The following is an entry in ClinVar:

ClinVar aggregate classification (germline): Uncertain significance (1 of 4 stars; one submission).

Allele frequency attached by ClinVar (database versions not stated): gnomAD exomes 0.00001.
gnomAD v4.1: 8 of 1,613,518 alleles (0.0005%); highest among the groups gnomAD compares: Non-Finnish European, 0.00068%; no homozygotes.

Submission:

Labcorp Genetics (formerly Invitae), Labcorp
Classification: Uncertain significance. Last evaluated: 2023-09-05. Review status: criteria provided, single submitter. Criteria: Invitae Variant Classification Sherloc (09022015). Collection method: clinical testing. Allele origin: germline.
Comment: An algorithm developed to predict the effect of missense changes on protein structure and function (PolyPhen-2) suggests that this variant is likely to be disruptive. In summary, the available evidence is currently insufficient to determine the role of this variant in disease. Therefore, it has been classified as a Variant of Uncertain Significance. Variants that disrupt the consensus splice site are a relatively common cause of aberrant splicing (PMID: 17576681, 9536098). Algorithms developed to predict the effect of sequence changes on RNA splicing suggest that this variant may disrupt the consensus splice site. This variant has not been reported in the literature in individuals affected with POLE-related conditions. This variant is not present in population databases (gnomAD no frequency). This sequence change replaces glutamine, which is neutral and polar, with histidine, which is basic and polar, at codon 1335 of the POLE protein (p.Gln1335His). This variant also falls at the last nucleotide of exon 31, which is part of the consensus splice site for this exon.

Literature cited by the submitters: PubMed 17576681; PubMed 9536098.

NM_006231.4(POLE):c.4005G>T (p.Gln1335His)

Gene: POLE (DNA polymerase epsilon, catalytic subunit; minus strand). Cytogenetic location: 12q24.33.
Variant type: single nucleotide variant.
Coding change: c.4005G>T on transcript NM_006231.4 (MANE Select); coding-DNA position 4005, G replaced by T.
Protein change: p.Gln1335His; replaces glutamine 1335 with histidine.
Molecular consequence: missense variant.
Genome position (GRCh38, 1-based): chr12:132,649,306, C>A on the plus strand (G>T on the coding strand, the complement: POLE is on the minus strand). VCF-style: chr12-132649306-C-A. GRCh37 (hg19) VCF-style: chr12-133225892-C-A.
Other names: short protein forms Q1335H.
Identifiers: ClinVar variation 2751812 (VCV002751812.3), dbSNP rs2042361443, ClinGen allele CA387384586.
Genomic context (GRCh38, chr12:132,649,306, plus strand): 5'-ACACCCCCTCCCTGGGCCATCAGCAGAGCCACTGCCCTCCCCTTGGATCAAGGTCTATAC[C>A]TGCACAATCTGCCACGGAAGGTCCAGGATGCTGCGGGCAGTTCTTCGCAAGAAGCTCCCC-3'
Protein context (NP_006222.2, residues 1325-1345): SILDLPWQIV[Gln1335His]ISETSQAGLF